The following is an entry in ClinVar:

ClinVar aggregate classification (germline): Uncertain significance. Review status: criteria provided, multiple submitters, no conflicts (2 of 4 stars). 2 submissions from 2 submitters: Uncertain significance (2). Last evaluated 2025-09-27.

Conditions:
Hereditary cancer-predisposing syndrome. Also called: Neoplastic Syndromes, Hereditary; Tumor predisposition; Hereditary Cancer Syndrome; Hereditary neoplastic syndrome. Identifiers: Orphanet 140162, MedGen C0027672, MeSH D009386, MONDO:0015356.

Submissions (2):

Labcorp Genetics (formerly Invitae), Labcorp
Classification: Uncertain significance. Last evaluated: 2025-09-27. Review status: criteria provided, single submitter. Criteria: Invitae Variant Classification Sherloc (09022015). Collection method: clinical testing. Allele origin: germline.
Comment: This sequence change replaces glutamic acid, which is acidic and polar, with valine, which is neutral and non-polar, at codon 545 of the POLE protein (p.Glu545Val). This variant is not present in population databases (gnomAD no frequency). This variant has not been reported in the literature in individuals affected with POLE-related conditions. ClinVar contains an entry for this variant (Variation ID: 1776890). Invitae Evidence Modeling of protein sequence and biophysical properties (such as structural, functional, and spatial information, amino acid conservation, physicochemical variation, residue mobility, and thermodynamic stability) indicates that this missense variant is expected to disrupt POLE protein function with a positive predictive value of 80%. In summary, the available evidence is currently insufficient to determine the role of this variant in disease. Therefore, it has been classified as a Variant of Uncertain Significance.

Ambry Genetics
Classification: Uncertain significance for Hereditary cancer-predisposing syndrome. Last evaluated: 2025-04-09. Review status: criteria provided, single submitter. Criteria: Ambry Variant Classification Scheme 2023. Collection method: clinical testing. Allele origin: germline.
Comment: The p.E545V variant (also known as c.1634A>T), located in coding exon 15 of the POLE gene, results from an A to T substitution at nucleotide position 1634. The glutamic acid at codon 545 is replaced by valine, an amino acid with dissimilar properties. This amino acid position is highly conserved in available vertebrate species. In addition, this alteration is predicted to be deleterious by in silico analysis. Based on the available evidence, the clinical significance of this variant remains unclear.

NM_006231.4(POLE):c.1634A>T (p.Glu545Val)

Gene: POLE (DNA polymerase epsilon, catalytic subunit; minus strand). Cytogenetic location: 12q24.33.
Variant type: single nucleotide variant.
Coding change: c.1634A>T on transcript NM_006231.4 (MANE Select); coding-DNA position 1634, A replaced by T.
Protein change: p.Glu545Val; replaces glutamic acid 545 with valine.
Molecular consequence: missense variant.
Genome position (GRCh38, 1-based): chr12:132,672,679, T>A on the plus strand (A>T on the coding strand, the complement: POLE is on the minus strand). VCF-style: chr12-132672679-T-A. GRCh37 (hg19) VCF-style: chr12-133249265-T-A.
Other names: short protein forms E545V.
Identifiers: ClinVar variation 1776890 (VCV001776890.4), dbSNP rs2135993136, ClinGen allele CA387356664.